The following is an entry in ClinVar:

ClinVar aggregate classification (germline): Pathogenic/Likely pathogenic. Review status: criteria provided, multiple submitters, no conflicts (2 of 4 stars). 3 submissions from 3 submitters: Pathogenic (2); Likely pathogenic (1). Last evaluated 2025-12-15.

Conditions:
Joubert syndrome and related disorders. Identifiers: Orphanet 140874, MedGen C5679612, MONDO:0015369.
CC2D2A-related disorder. Also called: CC2D2A-related condition; CC2D2A-related disorders. Identifiers: MedGen CN239313.

gnomAD v4.1: 2 of 1,553,054 alleles (0.00013%); highest among the groups gnomAD compares: Non-Finnish European, 0.00017%; no homozygotes.

Submissions (3):

Myriad Genetics, Inc.
Classification: Pathogenic for Joubert syndrome and related disorders. Last evaluated: 2025-12-15. Review status: criteria provided, single submitter. Criteria: Myriad Autosomal Dominant, Autosomal Recessive and X-Linked Classification Criteria (2023). Collection method: clinical testing. Allele origin: unknown.
Comment: NM_001080522.2(CC2D2A):c.4489C>T(Q1497*) is expected to be pathogenic in the context of CC2D2A-related disorders. This variant is predicted to lead to an abnormal or absent protein product due to the creation of a premature termination codon in CC2D2A, a gene where loss-of-function variants are known to be pathogenic. Please note: this variant was assessed in the context of healthy population screening.

Blueprint Genetics
Classification: Likely pathogenic for CC2D2A-related disorders. Last evaluated: 2024-02-09. Review status: criteria provided, single submitter. Criteria: ACMG Guidelines, 2015. Collection method: clinical testing. Allele origin: germline. Affected: yes. Observed: 1 variant allele.

Eurofins Ntd Llc (ga)
Classification: Pathogenic. Last evaluated: 2017-04-06. Review status: criteria provided, single submitter. Criteria: EGL Classification Definitions 2015. Collection method: clinical testing. Allele origin: germline. Observed: 1 variant allele, 1 heterozygote.

NM_001378615.1(CC2D2A):c.4489C>T (p.Gln1497Ter)

Genes: CC2D2A (coiled-coil and C2 domain containing 2A; plus strand), FBXL5 (F-box and leucine rich repeat protein 5; minus strand). Cytogenetic location: 4p15.32.
Variant type: single nucleotide variant.
Coding change: c.4489C>T on transcript NM_001378615.1 (MANE Select); coding-DNA position 4489, C replaced by T.
Protein change: p.Gln1497Ter; replaces glutamine 1497 with a stop codon.
Molecular consequence: nonsense.
Genome position (GRCh38, 1-based): chr4:15,597,458, C>T. VCF-style: chr4-15597458-C-T. GRCh37 (hg19) VCF-style: chr4-15599081-C-T.
Other names: c.4489C>T, p.Gln1497Ter (NM_001080522.2); c.4342C>T, p.Gln1448Ter (NM_001378617.1); short protein forms Q1497*, Q1448*.
Identifiers: ClinVar variation 501322 (VCV000501322.7), dbSNP rs1553845302, ClinGen allele CA356432323.